The following is an entry in ClinVar:

NM_024422.6(DSC2):c.395G>A (p.Arg132His)

Gene: DSC2 (desmocollin 2; minus strand). Cytogenetic location: 18q12.1.
Variant type: single nucleotide variant.
Coding change: c.395G>A on transcript NM_024422.6 (MANE Select); coding-DNA position 395, G replaced by A.
Protein change: p.Arg132His; replaces arginine 132 with histidine.
Molecular consequence: missense variant.
Genome position (GRCh38, 1-based): chr18:31,091,107, C>T on the plus strand (G>A on the coding strand, the complement: DSC2 is on the minus strand). VCF-style: chr18-31091107-C-T. GRCh37 (hg19) VCF-style: chr18-28671070-C-T.
Other names: c.395G>A, p.Arg132His (NM_004949.5); short protein forms R132H.
Identifiers: ClinVar variation 468383 (VCV000468383.32), dbSNP rs375410133, ClinGen allele CA038275.

ClinVar aggregate classification (germline): Conflicting classifications of pathogenicity. Review status: criteria provided, conflicting classifications (1 of 4 stars). 9 submissions from 9 submitters: Uncertain significance (8); Likely benign (1). Last evaluated 2025-12-11.

Conditions:
DSC2-related disorder. Also called: DSC2-related condition.
Cardiovascular phenotype. Identifiers: MedGen CN230736.
Familial isolated arrhythmogenic right ventricular dysplasia. Identifiers: Orphanet 217656, MedGen C4274968, MONDO:0016342.
Cardiomyopathy (CMYO). Also called: Cardiomyopathies. Identifiers: Orphanet 167848, MedGen C0878544, MONDO:0004994, HP:0001638. Inheritance: Various modes of inheritance.
Arrhythmogenic right ventricular dysplasia 11. Also called: Arrhythmogenic Right Ventricular Dysplasia/Cardiomyopathy11; ARRHYTHMOGENIC RIGHT VENTRICULAR DYSPLASIA, FAMILIAL, 11; Arrhythmogenic right ventricular dysplasia 11 with mild palmoplantar keratoderma and woolly hair. Identifiers: MedGen C1864850, MONDO:0012506, OMIM 610476.

Allele frequency attached by ClinVar (database versions not stated): ExAC 0.00002; gnomAD exomes 0.00002 and 0.00003; TOPMed 0.00002; gnomAD 0.00003; ESP Exome Variant Server 0.00008.
gnomAD v4.1: 39 of 1,613,818 alleles (0.0024%); highest among the groups gnomAD compares: South Asian, 0.011%; no homozygotes.

Submissions (9):

Color Diagnostics, LLC DBA Color Health
Classification: Uncertain significance for Cardiomyopathy. Last evaluated: 2025-12-11. Review status: criteria provided, single submitter. Criteria: ACMG Guidelines, 2015. Collection method: clinical testing. Allele origin: germline.
Comment: This missense variant replaces arginine with histidine at codon 132 of the DSC2 protein. Computational prediction is inconclusive regarding the impact of this variant on protein structure and function. To our knowledge, functional studies have not been reported for this variant. This variant has been reported in an individual affected with arrhythmogenic cardiomyopathy who also carried a second DSC2 variant (PMID: 28288337, 29750433). This variant has been identified in 39/1613818 chromosomes in the general population by the Genome Aggregation Database (gnomAD). The available evidence is insufficient to determine the role of this variant in disease conclusively. Therefore, this variant is classified as a Variant of Uncertain Significance.

PreventionGenetics, part of Exact Sciences
Classification: Uncertain significance for DSC2-related condition. Last evaluated: 2025-07-03. Review status: criteria provided, single submitter. Criteria: ACMG Guidelines, 2015. Collection method: clinical testing. Allele origin: germline.
Comment: The DSC2 c.395G>A variant is predicted to result in the amino acid substitution p.Arg132His. This variant has been reported along with a second DSC2 variant in an individual with arrhythmogenic cardiomyopathy (Chen et al. 2018. PubMed ID: 29750433). An alternate missense change at the same amino acid position (p.Arg132Cys) has been reported both with and without a second DSC2 variant in individuals with arrhythmogenic right ventricular dysplasia/cardiomyopathy (Fressart et al. 2010. PubMed ID: 20400443; Ohno et al. 2013. PubMed ID: 23514727; Wada et al. 2017. PubMed ID: 29178656). This variant is reported in 0.013% of alleles in individuals of South Asian descent in gnomAD and has conflicting classifications listed in ClinVar ranging from likely benign to uncertain. At this time, the clinical significance of this variant is uncertain due to the absence of conclusive functional and genetic evidence.

Labcorp Genetics (formerly Invitae), Labcorp
Classification: Uncertain significance for Arrhythmogenic right ventricular dysplasia 11. Last evaluated: 2024-10-09. Review status: criteria provided, single submitter. Criteria: Invitae Variant Classification Sherloc (09022015). Collection method: clinical testing. Allele origin: germline.
Comment: This sequence change replaces arginine, which is basic and polar, with histidine, which is basic and polar, at codon 132 of the DSC2 protein (p.Arg132His). This variant is present in population databases (rs375410133, gnomAD 0.02%). This missense change has been observed in individual(s) with arrhythmogenic cardiomyopathy (PMID: 29750433). ClinVar contains an entry for this variant (Variation ID: 468383). Invitae Evidence Modeling of protein sequence and biophysical properties (such as structural, functional, and spatial information, amino acid conservation, physicochemical variation, residue mobility, and thermodynamic stability) indicates that this missense variant is expected to disrupt DSC2 protein function with a positive predictive value of 80%. In summary, the available evidence is currently insufficient to determine the role of this variant in disease. Therefore, it has been classified as a Variant of Uncertain Significance.

All of Us Research Program, National Institutes of Health
Classification: Uncertain significance for Familial isolated arrhythmogenic right ventricular dysplasia. Last evaluated: 2024-07-29. Review status: criteria provided, single submitter. Criteria: ACMG Guidelines, 2015. Collection method: clinical testing. Allele origin: germline. Inheritance: Autosomal dominant inheritance. Observed: 6 variant alleles, 6 heterozygotes.
Comment: This missense variant replaces arginine with histidine at codon 132 of the DSC2 protein. Computational prediction is inconclusive regarding the impact of this variant on protein structure and function (internally defined REVEL score threshold 0.5 < inconclusive < 0.7, PMID: 27666373). To our knowledge, functional studies have not been reported for this variant. This variant has been reported in an individual affected with arrhythmogenic cardiomyopathy (PMID: 29750433). This variant has been identified in 9/282578 chromosomes in the general population by the Genome Aggregation Database (gnomAD). The available evidence is insufficient to determine the role of this variant in disease conclusively. Therefore, this variant is classified as a Variant of Uncertain Significance.

This study involves interpretation of variants in research participants for the purpose of population health screening. Participant phenotype was not available at the time of variant classification. Additional details can be found in publication PMID: 35346344, PMCID: PMC8962531

Ambry Genetics
Classification: Likely benign for Cardiovascular phenotype. Last evaluated: 2024-04-23. Review status: criteria provided, single submitter. Criteria: Ambry Variant Classification Scheme 2023. Collection method: clinical testing. Allele origin: germline.

Clinical Genomics Laboratory, Stanford Medicine
Classification: Uncertain significance for Arrhythmogenic right ventricular dysplasia 11. Last evaluated: 2023-05-08. Review status: criteria provided, single submitter. Criteria: ACMG Guidelines, 2015. Collection method: clinical testing. Allele origin: germline. Observed: 1 variant allele, 1 heterozygote.
Comment: The p.Arg132His variant in the DSC2 gene has been previously reported in an individual with arrhythmogenic cardiomyopathy who also carried a second missense variant in the DSC2 gene (Chen et al., 2018). This variant has been identified in 9/282,578 chromosomes by the Genome Aggregation Database. This variant is present in ClinVar (Accession: VCV000468383.28). The arginine at position 132 is evolutionarily conserved. Computational tools predict that the p.Arg132His variant is deleterious; however, the accuracy of in silico algorithms is limited. These data were assessed using the ACMG/AMP variant interpretation guidelines. In summary, the significance of the p.Arg132His variant is uncertain. Additional information is needed to resolve the significance of this variant. [ACMG evidence codes used: PP3

Blueprint Genetics
Classification: Uncertain significance. Last evaluated: 2023-01-25. Review status: criteria provided, single submitter. Criteria: ACMG Guidelines, 2015. Collection method: clinical testing. Allele origin: germline.

Fulgent Genetics
Classification: Uncertain significance for Arrhythmogenic right ventricular dysplasia 11. Last evaluated: 2021-08-20. Review status: criteria provided, single submitter. Criteria: ACMG Guidelines, 2015. Collection method: clinical testing. Allele origin: unknown.

ARUP Laboratories, Molecular Genetics and Genomics, ARUP Laboratories
Classification: Uncertain significance. Last evaluated: 2019-11-04. Review status: criteria provided, single submitter. Criteria: ARUP Molecular Germline Variant Investigation Process. Collection method: clinical testing. Allele origin: germline.
Comment: The DSC2 c.395G>A; p.Arg132His variant (rs375410133) is reported in the literature in an individual affected with arrhythmogenic cardiomyopathy that also carried a second missense variant in DSC2 (Chen 2018). The p.Arg132His variant is found on only nine chromosomes (9/282578 alleles) in the Genome Aggregation Database. The arginine at codon 132 is highly conserved, and computational analyses (SIFT, PolyPhen-2) predict that this variant is deleterious. Additionally, another amino acid substitution at this codon (p.Arg132Cys) has been reported in an individual with arrhythmogenic cardiomyopathy, although its clinical significance was not demonstrated (Fressart 2010). Given the lack of clinical and functional data, the significance of the p.Arg132His variant is uncertain at this time. References: Chen K et al. Absence of a primary role for TTN missense variants in arrhythmogenic cardiomyopathy: From a clinical and pathological perspective. Clin Cardiol. 2018 May;41(5):615-622. Fressart V et al. Desmosomal gene analysis in arrhythmogenic right ventricular dysplasia/cardiomyopathy: spectrum of mutations and clinical impact in practice. Europace. 2010 Jun;12(6):861-8.

Literature cited by the submitters: PubMed 28288337 (cited by Color Diagnostics, LLC DBA Color Health and Ambry Genetics); PubMed 29750433 (cited by 5 submitters); PubMed 30830208 (cited by Ambry Genetics).